The following is an entry in ClinVar:

ClinVar aggregate classification (germline): Uncertain significance. Review status: criteria provided, multiple submitters, no conflicts (2 of 4 stars). 3 submissions from 3 submitters: Uncertain significance (3). Last evaluated 2025-06-19.

Allele frequency attached by ClinVar (database versions not stated): ExAC 0.00001; gnomAD exomes 0.00001; ESP Exome Variant Server 0.00008.
gnomAD v4.1: 9 of 1,614,088 alleles (0.00056%); highest among the groups gnomAD compares: Non-Finnish European, 0.00076%; no homozygotes.

Submissions (3):

Ambry Genetics
Classification: Uncertain significance. Last evaluated: 2025-06-19. Review status: criteria provided, single submitter. Criteria: Ambry Variant Classification Scheme 2023. Collection method: clinical testing. Allele origin: germline.
Comment: The p.N541D variant (also known as c.1621A>G), located in coding exon 11 of the RINT1 gene, results from an A to G substitution at nucleotide position 1621. The asparagine at codon 541 is replaced by aspartic acid, an amino acid with highly similar properties. This amino acid position is highly conserved in available vertebrate species. In addition, the in silico prediction for this alteration is inconclusive. Since supporting evidence is limited at this time, the clinical significance of this alteration remains unclear.

Labcorp Genetics (formerly Invitae), Labcorp
Classification: Uncertain significance. Last evaluated: 2021-12-23. Review status: criteria provided, single submitter. Criteria: Invitae Variant Classification Sherloc (09022015). Collection method: clinical testing. Allele origin: germline.
Comment: ClinVar contains an entry for this variant (Variation ID: 651128). In summary, the available evidence is currently insufficient to determine the role of this variant in disease. Therefore, it has been classified as a Variant of Uncertain Significance. Algorithms developed to predict the effect of missense changes on protein structure and function are either unavailable or do not agree on the potential impact of this missense change (SIFT: "Deleterious"; PolyPhen-2: "Probably Damaging"; Align-GVGD: "Class C0"). This variant has not been reported in the literature in individuals affected with RINT1-related conditions. This variant is present in population databases (rs370831512, gnomAD 0.002%). This sequence change replaces asparagine, which is neutral and polar, with aspartic acid, which is acidic and polar, at codon 541 of the RINT1 protein (p.Asn541Asp).

Institute for Clinical Genetics, University Hospital TU Dresden, University Hospital TU Dresden
Classification: Uncertain significance. Last evaluated: 2021-11-03. Review status: criteria provided, single submitter. Criteria: ACMG Guidelines, 2015. Collection method: clinical testing. Allele origin: germline.

NM_021930.6(RINT1):c.1621A>G (p.Asn541Asp)

Gene: RINT1 (RAD50 interactor 1; plus strand). Cytogenetic location: 7q22.3.
Variant type: single nucleotide variant.
Coding change: c.1621A>G on transcript NM_021930.6 (MANE Select); coding-DNA position 1621, A replaced by G.
Protein change: p.Asn541Asp; replaces asparagine 541 with aspartic acid.
Molecular consequence: missense variant.
Genome position (GRCh38, 1-based): chr7:105,555,177, A>G. VCF-style: chr7-105555177-A-G. GRCh37 (hg19) VCF-style: chr7-105195624-A-G.
Other names: c.1387A>G, p.Asn463Asp (NM_001346599.2); c.598A>G, p.Asn200Asp (NM_001346600.2, NM_001346603.2); c.697A>G, p.Asn233Asp (NM_001346601.2); short protein forms N200D, N463D, N541D, N233D.
Identifiers: ClinVar variation 651128 (VCV000651128.34), dbSNP rs370831512, ClinGen allele CA4426718.
Genomic context (GRCh38, chr7:105,555,177, plus strand): 5'-ACACAAGTGATGAAAGAAGAGACTAGAGCTTCCCTTGGCTTTCGATACTGTGCAATTCTT[A>G]ATGCTGTGAACTACATCTCAACAGTACTAGCAGATTGGGCTGACAATGTTGTGAGTTAAT-3'
Protein context (NP_068749.3, residues 531-551): SLGFRYCAIL[Asn541Asp]AVNYISTVLA